The following is an entry in ClinVar:

ClinVar aggregate classification (germline): Uncertain significance. Review status: criteria provided, multiple submitters, no conflicts (2 of 4 stars). 2 submissions from 2 submitters: Uncertain significance (2). Last evaluated 2026-01-03.

Conditions:
Hereditary cancer-predisposing syndrome. Also called: Hereditary Cancer Syndrome; Neoplastic Syndromes, Hereditary; Tumor predisposition; Hereditary neoplastic syndrome. Identifiers: Orphanet 140162, MedGen C0027672, MeSH D009386, MONDO:0015356.
Rhabdoid tumor predisposition syndrome 2 (RTPS2). Identifiers: Orphanet 231108, Orphanet 69077, MedGen C2750074, MONDO:0013224, OMIM 613325.

gnomAD v4.1: 1 of 1,612,758 alleles (0.000062%); highest among the groups gnomAD compares: Non-Finnish European, 0.000085%; no homozygotes.

Submissions (2):

Ambry Genetics
Classification: Uncertain significance for Hereditary cancer-predisposing syndrome. Last evaluated: 2026-01-03. Review status: criteria provided, single submitter. Criteria: Ambry Variant Classification Scheme 2023. Collection method: clinical testing. Allele origin: germline.
Comment: The p.P30R variant (also known as c.89C>G), located in coding exon 1 of the SMARCA4 gene, results from a C to G substitution at nucleotide position 89. The proline at codon 30 is replaced by arginine, an amino acid with dissimilar properties. This amino acid position is conserved. In addition, this alteration is predicted to be deleterious by in silico analysis. Based on the available evidence, the clinical significance of this variant remains unclear.

Labcorp Genetics (formerly Invitae), Labcorp
Classification: Uncertain significance for Rhabdoid tumor predisposition syndrome 2. Last evaluated: 2024-02-15. Review status: criteria provided, single submitter. Criteria: Invitae Variant Classification Sherloc (09022015). Collection method: clinical testing. Allele origin: germline.
Comment: This sequence change replaces proline, which is neutral and non-polar, with arginine, which is basic and polar, at codon 30 of the SMARCA4 protein (p.Pro30Arg). This variant is not present in population databases (gnomAD no frequency). This variant has not been reported in the literature in individuals affected with SMARCA4-related conditions. Advanced modeling of protein sequence and biophysical properties (such as structural, functional, and spatial information, amino acid conservation, physicochemical variation, residue mobility, and thermodynamic stability) has been performed at Invitae for this missense variant, however the output from this modeling did not meet the statistical confidence thresholds required to predict the impact of this variant on SMARCA4 protein function. In summary, the available evidence is currently insufficient to determine the role of this variant in disease. Therefore, it has been classified as a Variant of Uncertain Significance.

NM_003072.5(SMARCA4):c.89C>G (p.Pro30Arg)

Gene: SMARCA4 (SWI/SNF related BAF chromatin remodeling complex subunit ATPase 4; plus strand). Cytogenetic location: 19p13.2.
Variant type: single nucleotide variant.
Coding change: c.89C>G on transcript NM_003072.5 (MANE Select); coding-DNA position 89, C replaced by G.
Protein change: p.Pro30Arg; replaces proline 30 with arginine.
Molecular consequence: missense variant. On other transcripts: non-coding transcript variant (1).
Genome position (GRCh38, 1-based): chr19:10,984,240, C>G. VCF-style: chr19-10984240-C-G. GRCh37 (hg19) VCF-style: chr19-11094916-C-G.
Other names: c.89C>G (NM_001128849.1); c.89C>G, p.Pro30Arg (NM_001128844.3, NM_001128845.2, NM_001128846.2 and 6 more transcripts); short protein forms P30R.
Identifiers: ClinVar variation 3705430 (VCV003705430.3).